The following is an entry in ClinVar:

NM_001142800.2(EYS):c.2596T>C (p.Cys866Arg)

Gene: EYS (EGF-like photoreceptor maintenance factor; minus strand). Cytogenetic location: 6q12.
Variant type: single nucleotide variant.
Coding change: c.2596T>C on transcript NM_001142800.2 (MANE Select); coding-DNA position 2596, T replaced by C.
Protein change: p.Cys866Arg; replaces cysteine 866 with arginine.
Molecular consequence: missense variant.
Genome position (GRCh38, 1-based): chr6:64,912,529, A>G on the plus strand (T>C on the coding strand, the complement: EYS is on the minus strand). VCF-style: chr6-64912529-A-G. GRCh37 (hg19) VCF-style: chr6-65622422-A-G.
Other names: c.2596T>C, p.Cys866Arg (NM_001292009.2); short protein forms C866R.
Identifiers: ClinVar variation 844397 (VCV000844397.8), dbSNP rs369966951, ClinGen allele CA3877273.

ClinVar aggregate classification (germline): Uncertain significance. Review status: criteria provided, multiple submitters, no conflicts (2 of 4 stars). 4 submissions from 4 submitters: Uncertain significance (3). 1 of the submissions does not count toward it. Last evaluated 2023-12-16.

Conditions:
Inborn genetic diseases. Identifiers: MedGen C0950123, MeSH D030342.
Retinitis pigmentosa (RP). Identifiers: Orphanet 791, MedGen C0035334, MeSH D012174, MONDO:0019200, OMIM 268000. Inheritance: Autosomal dominant, autosomal recessive and X linked inheritance.

Allele frequency attached by ClinVar (database versions not stated): gnomAD exomes 0.00002 and 0.00005; ExAC 0.00005; ESP Exome Variant Server 0.00022; gnomAD 0.00025 and 0.00029; TOPMed 0.00047.
gnomAD v4.1: 70 of 1,551,242 alleles (0.0045%); highest among the groups gnomAD compares: Admixed American, 0.059%; no homozygotes.

Submissions (4):

Ambry Genetics
Classification: Uncertain significance for Inborn genetic diseases. Last evaluated: 2023-12-16. Review status: criteria provided, single submitter. Criteria: Ambry Variant Classification Scheme 2023. Collection method: clinical testing. Allele origin: germline.

Labcorp Genetics (formerly Invitae), Labcorp
Classification: Uncertain significance. Last evaluated: 2022-08-22. Review status: criteria provided, single submitter. Criteria: Invitae Variant Classification Sherloc (09022015). Collection method: clinical testing. Allele origin: germline.
Comment: This sequence change replaces cysteine, which is neutral and slightly polar, with arginine, which is basic and polar, at codon 866 of the EYS protein (p.Cys866Arg). This variant is present in population databases (rs369966951, gnomAD 0.04%). This variant has not been reported in the literature in individuals affected with EYS-related conditions. ClinVar contains an entry for this variant (Variation ID: 844397). Algorithms developed to predict the effect of missense changes on protein structure and function (SIFT, PolyPhen-2, Align-GVGD) all suggest that this variant is likely to be disruptive. In summary, the available evidence is currently insufficient to determine the role of this variant in disease. Therefore, it has been classified as a Variant of Uncertain Significance.

Blueprint Genetics
Classification: Uncertain significance. Last evaluated: 2021-07-08. Review status: criteria provided, single submitter. Criteria: ACMG Guidelines, 2015. Collection method: clinical testing. Allele origin: germline.

Natera, Inc.
Classification: Uncertain significance for Retinitis pigmentosa. Last evaluated: 2020-04-17. Review status: no assertion criteria provided. Collection method: clinical testing. Allele origin: germline. Not counted in ClinVar's aggregate classification.